The following is an entry in ClinVar:

NM_000444.6(PHEX):c.910G>T (p.Glu304Ter)

Gene: PHEX (phosphate regulating endopeptidase X-linked; plus strand). Cytogenetic location: Xp22.11.
Variant type: single nucleotide variant.
Coding change: c.910G>T on transcript NM_000444.6 (MANE Select); coding-DNA position 910, G replaced by T.
Protein change: p.Glu304Ter; replaces glutamic acid 304 with a stop codon.
Molecular consequence: nonsense.
Genome position (GRCh38, 1-based): chrX:22,097,015, G>T. VCF-style: chrX-22097015-G-T. GRCh37 (hg19) VCF-style: chrX-22115133-G-T.
Other names: c.910G>T, p.Glu304Ter (NM_001282754.2); short protein forms E304*.
Identifiers: ClinVar variation 4795976 (VCV004795976.1).

ClinVar aggregate classification (germline): Pathogenic (1 of 4 stars; one submission).

Conditions:
Hypophosphataemia or rickets.

Submission:

Cambridge Genomics Laboratory, East Genomic Laboratory Hub, NHS Genomic Medicine Service
Classification: Pathogenic for Hypophosphataemia or rickets. Last evaluated: 2026-02-16. Review status: criteria provided, single submitter. Criteria: ACGS Best Practice Guidelines for Variant Classification in Rare Disease 2020. Collection method: clinical testing. Allele origin: germline. Affected: yes.
Comment: PVS1,PM2